The following is an entry in ClinVar:

NM_032578.4(MYPN):c.3803A>G (p.His1268Arg)

Gene: MYPN (myopalladin; plus strand). Cytogenetic location: 10q21.3.
Variant type: single nucleotide variant.
Coding change: c.3803A>G on transcript NM_032578.4 (MANE Select); coding-DNA position 3803, A replaced by G.
Protein change: p.His1268Arg; replaces histidine 1268 with arginine.
Molecular consequence: missense variant. On other transcripts: non-coding transcript variant (2).
Genome position (GRCh38, 1-based): chr10:68,210,295, A>G. VCF-style: chr10-68210295-A-G. GRCh37 (hg19) VCF-style: chr10-69970052-A-G.
Other names: c.3803A>G, p.His1268Arg (NM_001256267.2); c.2921A>G, p.His974Arg (NM_001256268.2); short protein forms H974R, H1268R.
Identifiers: ClinVar variation 3877254 (VCV003877254.1).

ClinVar aggregate classification (germline): Uncertain significance (1 of 4 stars; one submission).

Conditions:
Cardiovascular phenotype. Identifiers: MedGen CN230736.

gnomAD v4.1: 10 of 1,613,376 alleles (0.00062%); highest among the groups gnomAD compares: Non-Finnish European, 0.00085%; no homozygotes.

Submission:

Ambry Genetics
Classification: Uncertain significance for Cardiovascular phenotype. Last evaluated: 2025-01-13. Review status: criteria provided, single submitter. Criteria: Ambry Variant Classification Scheme 2023. Collection method: clinical testing. Allele origin: germline.
Comment: The p.H1268R variant (also known as c.3803A>G), located in coding exon 19 of the MYPN gene, results from an A to G substitution at nucleotide position 3803. The histidine at codon 1268 is replaced by arginine, an amino acid with highly similar properties. This amino acid position is conserved. In addition, the in silico prediction for this alteration is inconclusive. Based on the available evidence, the clinical significance of this variant remains unclear.